The following is an entry in ClinVar:

NM_003242.6(TGFBR2):c.1654T>G (p.Cys552Gly)

Gene: TGFBR2 (transforming growth factor beta receptor 2; plus strand). Cytogenetic location: 3p24.1.
Variant type: single nucleotide variant.
Coding change: c.1654T>G on transcript NM_003242.6 (MANE Select); coding-DNA position 1654, T replaced by G.
Protein change: p.Cys552Gly; replaces cysteine 552 with glycine.
Molecular consequence: missense variant.
Genome position (GRCh38, 1-based): chr3:30,691,549, T>G. VCF-style: chr3-30691549-T-G. GRCh37 (hg19) VCF-style: chr3-30733041-T-G.
Other names: c.1729T>G, p.Cys577Gly (NM_001024847.3); c.1837T>G, p.Cys613Gly (NM_001407126.1); c.1762T>G, p.Cys588Gly (NM_001407127.1); c.1681T>G, p.Cys561Gly (NM_001407128.1); c.1657T>G, p.Cys553Gly (NM_001407129.1); c.1651T>G, p.Cys551Gly (NM_001407130.1); c.1549T>G, p.Cys517Gly (NM_001407132.1, NM_001407133.1, NM_001407134.1 and 2 more transcripts); c.1369T>G, p.Cys457Gly (NM_001407137.1); and 2 more; short protein forms C262G, C551G, C552G, C432G, C457G, C577G, C613G, C553G.
Identifiers: ClinVar variation 2007512 (VCV002007512.4), dbSNP rs2125455669, ClinGen allele CA351809757.

ClinVar aggregate classification (germline): Uncertain significance (1 of 4 stars; one submission).

Conditions:
Familial thoracic aortic aneurysm and aortic dissection (TAAD). Also called: Thoracic aortic aneurysms and dissections. Identifiers: Orphanet 91387, MedGen C4707243, MONDO:0019625.

Submission:

Labcorp Genetics (formerly Invitae), Labcorp
Classification: Uncertain significance for Familial thoracic aortic aneurysm and aortic dissection. Last evaluated: 2022-06-16. Review status: criteria provided, single submitter. Criteria: Invitae Variant Classification Sherloc (09022015). Collection method: clinical testing. Allele origin: germline.
Comment: This sequence change replaces cysteine, which is neutral and slightly polar, with glycine, which is neutral and non-polar, at codon 552 of the TGFBR2 protein (p.Cys552Gly). In summary, the available evidence is currently insufficient to determine the role of this variant in disease. Therefore, it has been classified as a Variant of Uncertain Significance. Advanced modeling of protein sequence and biophysical properties (such as structural, functional, and spatial information, amino acid conservation, physicochemical variation, residue mobility, and thermodynamic stability) performed at Invitae indicates that this missense variant is not expected to disrupt TGFBR2 protein function. This variant has not been reported in the literature in individuals affected with TGFBR2-related conditions. This variant is not present in population databases (gnomAD no frequency).